The following is an entry in ClinVar:

NM_001040108.2(MLH3):c.1530C>A (p.Ser510Arg)

Gene: MLH3 (mutL homolog 3; minus strand). Cytogenetic location: 14q24.3.
Variant type: single nucleotide variant.
Coding change: c.1530C>A on transcript NM_001040108.2 (MANE Select); coding-DNA position 1530, C replaced by A.
Protein change: p.Ser510Arg; replaces serine 510 with arginine.
Molecular consequence: missense variant.
Genome position (GRCh38, 1-based): chr14:75,048,126, G>T on the plus strand (C>A on the coding strand, the complement: MLH3 is on the minus strand). VCF-style: chr14-75048126-G-T. GRCh37 (hg19) VCF-style: chr14-75514829-G-T.
Other names: c.1530C>A, p.Ser510Arg (NM_014381.3); short protein forms S510R.
Identifiers: ClinVar variation 2010971 (VCV002010971.5), dbSNP rs1892391655, ClinGen allele CA390445194.

ClinVar aggregate classification (germline): Uncertain significance. Review status: criteria provided, multiple submitters, no conflicts (2 of 4 stars). 2 submissions from 2 submitters: Uncertain significance (2). Last evaluated 2026-07-16.

Conditions:
Colorectal cancer, hereditary nonpolyposis, type 7. Identifiers: Orphanet 144, MedGen C1858380, MONDO:0013725, OMIM 614385.

Allele frequency attached by ClinVar (database versions not stated): gnomAD exomes below 0.00001.

Submissions (2):

Ambry Genetics
Classification: Uncertain significance. Last evaluated: 2026-07-16. Review status: criteria provided, single submitter. Criteria: Ambry Variant Classification Scheme 2023. Collection method: clinical testing. Allele origin: germline.
Comment: The p.S510R variant (also known as c.1530C>A), located in coding exon 1 of the MLH3 gene, results from a C to A substitution at nucleotide position 1530. The serine at codon 510 is replaced by arginine, an amino acid with dissimilar properties. This amino acid position is conserved. In addition, this alteration is predicted to be tolerated by in silico analysis. Based on the available evidence, the clinical significance of this variant remains unclear.

Labcorp Genetics (formerly Invitae), Labcorp
Classification: Uncertain significance for Colorectal cancer, hereditary nonpolyposis, type 7. Last evaluated: 2022-08-31. Review status: criteria provided, single submitter. Criteria: Invitae Variant Classification Sherloc (09022015). Collection method: clinical testing. Allele origin: germline.
Comment: In summary, the available evidence is currently insufficient to determine the role of this variant in disease. Therefore, it has been classified as a Variant of Uncertain Significance. Algorithms developed to predict the effect of missense changes on protein structure and function output the following: SIFT: "Deleterious"; PolyPhen-2: "Benign"; Align-GVGD: "Class C0". The arginine amino acid residue is found in multiple mammalian species, which suggests that this missense change does not adversely affect protein function. This variant has not been reported in the literature in individuals affected with MLH3-related conditions. This variant is not present in population databases (gnomAD no frequency). This sequence change replaces serine, which is neutral and polar, with arginine, which is basic and polar, at codon 510 of the MLH3 protein (p.Ser510Arg).